The following is an entry in ClinVar:

ClinVar aggregate classification (germline): Uncertain significance (1 of 4 stars; one submission).

Conditions:
Dyskeratosis congenita, autosomal dominant 6 (DKCA6). Identifiers: Orphanet 3322, MedGen C4225284, MONDO:0014690, OMIM 616553.

Submission:

Labcorp Genetics (formerly Invitae), Labcorp
Classification: Uncertain significance for Dyskeratosis congenita, autosomal dominant 6. Last evaluated: 2025-07-31. Review status: criteria provided, single submitter. Criteria: Invitae Variant Classification Sherloc (09022015). Collection method: clinical testing. Allele origin: germline.
Comment: This variant, c.133_147dup, results in the insertion of 5 amino acid(s) of the ACD protein (p.Val45_Gly49dup), but otherwise preserves the integrity of the reading frame. This variant is not present in population databases (gnomAD no frequency). This variant has not been reported in the literature in individuals affected with ACD-related conditions. ClinVar contains an entry for this variant (Variation ID: 1493414). In summary, the available evidence is currently insufficient to determine the role of this variant in disease. Therefore, it has been classified as a Variant of Uncertain Significance.

NC_000016.10:g.67660332_67660346dup

Genes: ACD (ACD shelterin complex subunit and telomerase recruitment factor; minus strand), LOC130059224 (ATAC-STARR-seq lymphoblastoid silent region 7617; plus strand). Cytogenetic location: 16q22.1.
Variant type: Duplication.
Genome position: GRCh38 VCF-style: chr16-67660331-G-GGCCCCGCCCACGTAC. GRCh37 (hg19) VCF-style: chr16-67694234-G-GGCCCCGCCCACGTAC.
Identifiers: ClinVar variation 1493414 (VCV001493414.8), dbSNP rs2142976632, ClinGen allele CA2573152568.